The following is an entry in ClinVar:

NM_006343.3(MERTK):c.583+1G>A

Gene: MERTK (MER proto-oncogene, tyrosine kinase; plus strand). Cytogenetic location: 2q13.
Variant type: single nucleotide variant.
Coding change: c.583+1G>A on transcript NM_006343.3 (MANE Select); the canonical splice donor site of the intron after coding-DNA position 583, G replaced by A.
Molecular consequence: splice donor variant.
Genome position (GRCh38, 1-based): chr2:111,945,061, G>A. VCF-style: chr2-111945061-G-A. GRCh37 (hg19) VCF-style: chr2-112702638-G-A.
Identifiers: ClinVar variation 5039645 (VCV005039645.1).

ClinVar aggregate classification (germline): Pathogenic (1 of 4 stars; one submission).

gnomAD v4.1: 2 of 1,610,564 alleles (0.00012%); highest among the groups gnomAD compares: Non-Finnish European, 0.00017%; no homozygotes.

Submission:

CeGaT Center for Human Genetics Tuebingen
Classification: Pathogenic. Last evaluated: 2026-08-01. Review status: criteria provided, single submitter. Criteria: CeGaT Center For Human Genetics Tuebingen Variant Classification Criteria Version 2. Collection method: clinical testing. Allele origin: germline. Affected: yes. Observed: 1 variant allele.
Comment: MERTK: PVS1, PM2